The following is an entry in ClinVar:

ClinVar aggregate classification (germline): Pathogenic (1 of 4 stars; one submission).

Conditions:
Developmental and epileptic encephalopathy, 31A. Also called: Developmental and epileptic encephalopathy, 31; Epileptic encephalopathy, early infantile, 31. Identifiers: Orphanet 2382, MedGen C4225357, MONDO:0014598, OMIM 616346.

Submission:

Labcorp Genetics (formerly Invitae), Labcorp
Classification: Pathogenic for Developmental and epileptic encephalopathy, 31A. Last evaluated: 2025-07-23. Review status: criteria provided, single submitter. Criteria: Invitae Variant Classification Sherloc (09022015). Collection method: clinical testing. Allele origin: germline.
Comment: This sequence change replaces aspartic acid, which is acidic and polar, with alanine, which is neutral and non-polar, at codon 180 of the DNM1 protein (p.Asp180Ala). This variant is not present in population databases (gnomAD no frequency). This missense change has been observed in individual(s) with autosomal dominant DNM1-related conditions (internal data). In at least one individual the variant was observed to be de novo. Invitae Evidence Modeling of protein sequence and biophysical properties (such as structural, functional, and spatial information, amino acid conservation, physicochemical variation, residue mobility, and thermodynamic stability) indicates that this missense variant is expected to disrupt DNM1 protein function with a positive predictive value of 80%. For these reasons, this variant has been classified as Pathogenic.

NM_004408.4(DNM1):c.539A>C (p.Asp180Ala)

Genes: DNM1 (dynamin 1; plus strand), LOC113839516 (Sharpr-MPRA regulatory region 8497; plus strand). Cytogenetic location: 9q34.11.
Variant type: single nucleotide variant.
Coding change: c.539A>C on transcript NM_004408.4 (MANE Select); coding-DNA position 539, A replaced by C.
Protein change: p.Asp180Ala; replaces aspartic acid 180 with alanine.
Molecular consequence: missense variant.
Genome position (GRCh38, 1-based): chr9:128,219,202, A>C. VCF-style: chr9-128219202-A-C. GRCh37 (hg19) VCF-style: chr9-130981481-A-C.
Other names: c.539A>C, p.Asp180Ala (NM_001005336.3, NM_001288737.2, NM_001288738.2 and 2 more transcripts); short protein forms D180A.
Identifiers: ClinVar variation 4745019 (VCV004745019.1).
Genomic context (GRCh38, chr9:128,219,202, plus strand): 5'-TTATGCAGTTTGTCACCAAGGAGAACTGCCTCATCCTGGCCGTGTCCCCCGCCAACTCTG[A>C]CCTGGCCAATTCTGACGCCCTCAAGGTCGCCAAGGAGGTGGACCCCCAGGGTAGGTTCCC-3'
Protein context (NP_004399.2, residues 170-190): LILAVSPANS[Asp180Ala]LANSDALKVA